The following is an entry in ClinVar:

NM_000081.4(LYST):c.1319A>G (p.His440Arg)

Gene: LYST (lysosomal trafficking regulator; minus strand). Cytogenetic location: 1q42.3.
Variant type: single nucleotide variant.
Coding change: c.1319A>G on transcript NM_000081.4 (MANE Select); coding-DNA position 1319, A replaced by G.
Protein change: p.His440Arg; replaces histidine 440 with arginine.
Molecular consequence: missense variant.
Genome position (GRCh38, 1-based): chr1:235,809,499, T>C on the plus strand (A>G on the coding strand, the complement: LYST is on the minus strand). VCF-style: chr1-235809499-T-C. GRCh37 (hg19) VCF-style: chr1-235972799-T-C.
Other names: c.1319A>G, p.His440Arg (NM_001301365.1); short protein forms H440R.
Identifiers: ClinVar variation 1719927 (VCV001719927.5), dbSNP rs777581187, ClinGen allele CA1467485.
Genomic context (GRCh38, chr1:235,809,499, plus strand): 5'-CCATCTCTTAAAACCAGCCATTCCATTTGAAGAACTGCTGTTTCAAATAAATTAAATCCA[T>C]GATGCTGAATGAATTCTTGAACCAAATCCATGGCTTGACTGAAGTAGAAGGGATTTGAAG-3'
Protein context (NP_000072.2, residues 430-450): MDLVQEFIQH[His440Arg]GFNLFETAVL

ClinVar aggregate classification (germline): Uncertain significance (1 of 4 stars; one submission).

Conditions:
Chédiak-Higashi syndrome (CHS). Also called: Chediak-Higashi Syndrome. Identifiers: Orphanet 167, MedGen C0007965, MONDO:0008963, OMIM 214500.

Allele frequency attached by ClinVar (database versions not stated): ExAC 0.00001; gnomAD 0.00001; TOPMed 0.00001.
gnomAD v4.1: 1 of 1,613,956 alleles (0.000062%); highest among the groups gnomAD compares: African/African-American, 0.0013%; no homozygotes.

Submission:

Labcorp Genetics (formerly Invitae), Labcorp
Classification: Uncertain significance for Chédiak-Higashi syndrome. Last evaluated: 2022-10-18. Review status: criteria provided, single submitter. Criteria: Invitae Variant Classification Sherloc (09022015). Collection method: clinical testing. Allele origin: germline.
Comment: In summary, the available evidence is currently insufficient to determine the role of this variant in disease. Therefore, it has been classified as a Variant of Uncertain Significance. Advanced modeling of protein sequence and biophysical properties (such as structural, functional, and spatial information, amino acid conservation, physicochemical variation, residue mobility, and thermodynamic stability) performed at Invitae indicates that this missense variant is not expected to disrupt LYST protein function. This variant has not been reported in the literature in individuals affected with LYST-related conditions. This variant is present in population databases (rs777581187, gnomAD 0.007%). This sequence change replaces histidine, which is basic and polar, with arginine, which is basic and polar, at codon 440 of the LYST protein (p.His440Arg).